The following is an entry in ClinVar:

NM_000937.5(POLR2A):c.5370C>T (p.Tyr1790=)

Gene: POLR2A (RNA polymerase II subunit A; plus strand). Cytogenetic location: 17p13.1.
Variant type: single nucleotide variant.
Coding change: c.5370C>T on transcript NM_000937.5 (MANE Select); coding-DNA position 5370, C replaced by T.
Protein change: p.Tyr1790=; no amino-acid change (tyrosine 1790 retained).
Molecular consequence: synonymous variant.
Genome position (GRCh38, 1-based): chr17:7,513,634, C>T. VCF-style: chr17-7513634-C-T. GRCh37 (hg19) VCF-style: chr17-7416953-C-T.
Identifiers: ClinVar variation 3025159 (VCV003025159.22), dbSNP rs771395759, ClinGen allele CA8350559.

ClinVar aggregate classification (germline): Likely benign (1 of 4 stars; one submission).

Allele frequency attached by ClinVar (database versions not stated): gnomAD exomes 0.00004; gnomAD 0.00008; TOPMed 0.00008; ExAC 0.00009.

Submission:

CeGaT Center for Human Genetics Tuebingen
Classification: Likely benign. Last evaluated: 2023-12-01. Review status: criteria provided, single submitter. Criteria: CeGaT Center For Human Genetics Tuebingen Variant Classification Criteria Version 2. Collection method: clinical testing. Allele origin: germline. Affected: yes. Observed: 1 variant allele.
Comment: POLR2A: BP4, BP7